The following is an entry in ClinVar:

ClinVar aggregate classification (germline): Pathogenic. Review status: reviewed by expert panel (3 of 4 stars). 2 submissions from 2 submitters: Pathogenic (1). 1 of the submissions does not count toward it. Last evaluated 2016-10-18.

Conditions:
Breast-ovarian cancer, familial, susceptibility to, 2 (BROVCA2). Also called: BRCA2 Hereditary Breast and Ovarian Cancer. Identifiers: Orphanet 145, MedGen C2675520, MONDO:0012933, OMIM 612555. Disease mechanism: loss of function.

Submissions (2):

Evidence-based Network for the Interpretation of Germline Mutant Alleles (ENIGMA)
Classification: Pathogenic for Breast-ovarian cancer, familial, susceptibility to, 2. Last evaluated: 2016-10-18. Review status: reviewed by expert panel. Criteria: ENIGMA BRCA1/2 Classification Criteria (2015). Collection method: curation. Allele origin: germline.
Comment: Variant allele predicted to encode a truncated non-functional protein.

Consortium of Investigators of Modifiers of BRCA1/2 (CIMBA), c/o University of Cambridge
Classification: Pathogenic for Breast-ovarian cancer, familial, susceptibility to, 2. Last evaluated: 2015-10-02. Review status: criteria provided, single submitter. Criteria: CIMBA Mutation Classification guidelines May 2016. Collection method: clinical testing. Allele origin: germline. Not counted in ClinVar's aggregate classification.

NM_000059.4(BRCA2):c.370_374del (p.Met124fs)

Gene: BRCA2 (BRCA2 DNA repair associated; plus strand). Cytogenetic location: 13q13.1.
Variant type: Deletion.
Coding change: c.370_374del on transcript NM_000059.4 (MANE Select); coding-DNA positions 370 to 374, 5 bases deleted (ATGGA; older notation c.370_374delATGGA).
Protein change: p.Met124fs; shifts the reading frame from methionine 124.
Molecular consequence: frameshift variant.
Genome position (GRCh38, 1-based): chr13:32,325,129-32,325,133, ATGGA deleted; deleting any 5 consecutive bases within chr13:32,325,128-32,325,133 gives the same sequence; the c. name uses the placement nearest the transcript's 3' end. VCF-style (leftmost placement, unchanged base first): chr13-32325127-AAATGG-A. GRCh37 (hg19) VCF-style: chr13-32899264-AAATGG-A.
Other names: 598_602delATGGA; short protein forms M124fs.
Identifiers: ClinVar variation 266766 (VCV000266766.5), dbSNP rs886040490, ClinGen allele CA10589021.
Genomic context (GRCh38, chr13:32,325,127, plus strand): 5'-CTGTTTCAGGAAGGAATGTTCCCAATAGTAGACATAAAAGTCTTCGCACAGTGAAAACTA[AAATGG>A]ATCAAGCAGATGATGTTTCCTGTCCACTTCTAAATTCTTGTCTTAGTGAAAGGTATGATG-3'